The following is an entry in ClinVar:

NM_005228.5(EGFR):c.1025T>G (p.Ile342Ser)

Genes: EGFR (epidermal growth factor receptor; plus strand), LOC126860048 (P300/CBP strongly-dependent group 1 enhancer GRCh37_chr7:55223847-55225046; plus strand). Cytogenetic location: 7p11.2.
Variant type: single nucleotide variant.
Coding change: c.1025T>G on transcript NM_005228.5 (MANE Select); coding-DNA position 1025, T replaced by G.
Protein change: p.Ile342Ser; replaces isoleucine 342 with serine.
Molecular consequence: missense variant.
Genome position (GRCh38, 1-based): chr7:55,156,551, T>G. VCF-style: chr7-55156551-T-G. GRCh37 (hg19) VCF-style: chr7-55224244-T-G.
Other names: c.890T>G, p.Ile297Ser (NM_001346897.2, NM_001346899.2); c.1025T>G, p.Ile342Ser (NM_001346898.2, NM_201282.2, NM_201283.2 and 1 more transcripts); c.866T>G, p.Ile289Ser (NM_001346900.2); c.224T>G, p.Ile75Ser (NM_001346941.2); short protein forms I342S, I75S, I289S, I297S.
Identifiers: ClinVar variation 2055612 (VCV002055612.4), dbSNP rs1381010963, ClinGen allele CA367578225.

ClinVar aggregate classification (germline): Uncertain significance (1 of 4 stars; one submission).

Conditions:
EGFR-related lung cancer (EGFR). Identifiers: MedGen CN130014.

Submission:

Labcorp Genetics (formerly Invitae), Labcorp
Classification: Uncertain significance for EGFR-related lung cancer. Last evaluated: 2021-12-23. Review status: criteria provided, single submitter. Criteria: Invitae Variant Classification Sherloc (09022015). Collection method: clinical testing. Allele origin: germline.
Comment: This sequence change replaces isoleucine, which is neutral and non-polar, with serine, which is neutral and polar, at codon 342 of the EGFR protein (p.Ile342Ser). This variant is not present in population databases (gnomAD no frequency). This variant has not been reported in the literature in individuals affected with EGFR-related conditions. Algorithms developed to predict the effect of missense changes on protein structure and function (SIFT, PolyPhen-2, Align-GVGD) all suggest that this variant is likely to be tolerated. In summary, the available evidence is currently insufficient to determine the role of this variant in disease. Therefore, it has been classified as a Variant of Uncertain Significance.